The following is an entry in ClinVar:

NM_004706.4(ARHGEF1):c.1016-42dup

Gene: ARHGEF1 (Rho guanine nucleotide exchange factor 1; plus strand). Cytogenetic location: 19q13.2.
Variant type: Duplication.
Coding change: c.1016-42dup on transcript NM_004706.4 (MANE Select); 42 bases into the intron before coding-DNA position 1016, one base duplicated (C; older notation c.1016-42dupC).
Molecular consequence: intron variant.
Genome position (GRCh38, 1-based): chr19:41,896,335, C duplicated; the last of 2 consecutive C bases (chr19:41,896,334-41,896,335); duplicating either gives the same sequence. VCF-style (leftmost placement, unchanged base first): chr19-41896333-G-GC. GRCh37 (hg19) VCF-style: chr19-42400406-G-GC.
Other names: c.1016-42dup (NM_001396003.1, NM_001396000.1, NM_001396006.1); c.917-42dup (NM_001396002.1, NM_198977.2, NM_001396004.1); c.1061-42dup (NM_199002.2).
Identifiers: ClinVar variation 2688323 (VCV002688323.2), dbSNP rs11368847, ClinGen allele CA9466159.

ClinVar aggregate classification (germline): Benign (1 of 4 stars; one submission).

Submission:

Unidad de Genómica Garrahan, Hospital de Pediatría Garrahan
Classification: Benign. Last evaluated: 2024-01-24. Review status: criteria provided, single submitter. Criteria: ACMG Guidelines, 2015. Collection method: clinical testing. Allele origin: germline. Affected: no. Observed: 21 variant alleles.
Comment: This variant is classified as Benign based on local population frequency. This variant was detected in 22% of patients studied by a panel of primary immunodeficiencies. Number of patients: 21. Only high quality variants are reported.